The following is an entry in ClinVar:

NM_004387.4(NKX2-5):c.436T>A (p.Ser146Thr)

Gene: NKX2-5 (NK2 homeobox 5; minus strand). Cytogenetic location: 5q35.1.
Variant type: single nucleotide variant.
Coding change: c.436T>A on transcript NM_004387.4 (MANE Select); coding-DNA position 436, T replaced by A.
Protein change: p.Ser146Thr; replaces serine 146 with threonine.
Molecular consequence: missense variant. On other transcripts: 3 prime UTR variant (2).
Genome position (GRCh38, 1-based): chr5:173,233,108, A>T on the plus strand (T>A on the coding strand, the complement: NKX2-5 is on the minus strand). VCF-style: chr5-173233108-A-T. GRCh37 (hg19) VCF-style: chr5-172660111-A-T.
Other names: c.*389T>A (NM_001166175.2); c.*235T>A (NM_001166176.2); short protein forms S146T.
Identifiers: ClinVar variation 1740082 (VCV001740082.4), dbSNP rs1425850321, ClinGen allele CA362161871.

ClinVar aggregate classification (germline): Uncertain significance. Review status: criteria provided, multiple submitters, no conflicts (2 of 4 stars). 2 submissions from 2 submitters: Uncertain significance (2). Last evaluated 2024-09-03.

Conditions:
Cardiovascular phenotype. Identifiers: MedGen CN230736.

Allele frequency attached by ClinVar (database versions not stated): TOPMed below 0.00001; gnomAD 0.00001.
gnomAD v4.1: 1 of 1,599,724 alleles (0.000063%); highest among the groups gnomAD compares: East Asian, 0.0023%; no homozygotes.

Submissions (2):

GeneDx
Classification: Uncertain significance. Last evaluated: 2024-09-03. Review status: criteria provided, single submitter. Criteria: GeneDx Variant Classification Process June 2021. Collection method: clinical testing. Allele origin: germline.
Comment: Not observed at significant frequency in large population cohorts (gnomAD); In silico analysis supports that this missense variant has a deleterious effect on protein structure/function; Has not been previously published as pathogenic or benign to our knowledge

Ambry Genetics
Classification: Uncertain significance for Cardiovascular phenotype. Last evaluated: 2021-02-18. Review status: criteria provided, single submitter. Criteria: Ambry Variant Classification Scheme 2023. Collection method: clinical testing. Allele origin: germline.
Comment: The p.S146T variant (also known as c.436T>A), located in coding exon 2 of the NKX2-5 gene, results from a T to A substitution at nucleotide position 436. The serine at codon 146 is replaced by threonine, an amino acid with similar properties. This amino acid position is highly conserved in available vertebrate species. In addition, the in silico prediction for this alteration is inconclusive. Since supporting evidence is limited at this time, the clinical significance of this alteration remains unclear.